The following is an entry in ClinVar:

NM_001018005.2(TPM1):c.751A>G (p.Lys251Glu)

Gene: TPM1 (tropomyosin 1; plus strand). Cytogenetic location: 15q22.2.
Variant type: single nucleotide variant.
Coding change: c.751A>G on transcript NM_001018005.2 (MANE Select); coding-DNA position 751, A replaced by G.
Protein change: p.Lys251Glu; replaces lysine 251 with glutamic acid.
Molecular consequence: missense variant.
Genome position (GRCh38, 1-based): chr15:63,062,624, A>G. VCF-style: chr15-63062624-A-G. GRCh37 (hg19) VCF-style: chr15-63354823-A-G.
Other names: c.751A>G, p.Lys251Glu (NM_000366.6, NM_001018004.2, NM_001018006.2 and 6 more transcripts); c.643A>G, p.Lys215Glu (NM_001018008.2, NM_001301289.2, NM_001330344.2 and 5 more transcripts); c.877A>G, p.Lys293Glu (NM_001365778.1); short protein forms K215E, K293E, K251E.
Identifiers: ClinVar variation 1042575 (VCV001042575.8), dbSNP rs2035793563, ClinGen allele CA392724637.

ClinVar aggregate classification (germline): Uncertain significance (1 of 4 stars; one submission).

Conditions:
Hypertrophic cardiomyopathy. Also called: HYPERTROPHIC MYOCARDIOPATHY. Identifiers: Orphanet 217569, MedGen C0007194, MeSH D002312, MONDO:0005045, HP:0001639.

Submission:

Labcorp Genetics (formerly Invitae), Labcorp
Classification: Uncertain significance for Hypertrophic cardiomyopathy. Last evaluated: 2023-12-06. Review status: criteria provided, single submitter. Criteria: Invitae Variant Classification Sherloc (09022015). Collection method: clinical testing. Allele origin: germline.
Comment: This sequence change replaces lysine, which is basic and polar, with glutamic acid, which is acidic and polar, at codon 251 of the TPM1 protein (p.Lys251Glu). This variant is not present in population databases (gnomAD no frequency). This variant has not been reported in the literature in individuals affected with TPM1-related conditions. ClinVar contains an entry for this variant (Variation ID: 1042575). An algorithm developed to predict the effect of missense changes on protein structure and function (PolyPhen-2) suggests that this variant is likely to be disruptive. In summary, the available evidence is currently insufficient to determine the role of this variant in disease. Therefore, it has been classified as a Variant of Uncertain Significance.